The following is an entry in ClinVar:

NM_000059.4(BRCA2):c.7699T>G (p.Tyr2567Asp)

Gene: BRCA2 (BRCA2 DNA repair associated; plus strand). Cytogenetic location: 13q13.1.
Variant type: single nucleotide variant.
Coding change: c.7699T>G on transcript NM_000059.4 (MANE Select); coding-DNA position 7699, T replaced by G.
Protein change: p.Tyr2567Asp; replaces tyrosine 2567 with aspartic acid.
Molecular consequence: missense variant.
Genome position (GRCh38, 1-based): chr13:32,357,823, T>G. VCF-style: chr13-32357823-T-G. GRCh37 (hg19) VCF-style: chr13-32931960-T-G.
Other names: short protein forms Y2567D.
Identifiers: ClinVar variation 648848 (VCV000648848.11), dbSNP rs1555286422, ClinGen allele CA387745240.

ClinVar aggregate classification (germline): Conflicting classifications of pathogenicity. Review status: criteria provided, conflicting classifications (1 of 4 stars). 3 submissions from 3 submitters: Uncertain significance (2); Likely benign (1). Last evaluated 2026-08-04.

Conditions:
Hereditary cancer-predisposing syndrome. Also called: Hereditary Cancer Syndrome; Hereditary neoplastic syndrome; Neoplastic Syndromes, Hereditary; Tumor predisposition. Identifiers: Orphanet 140162, MedGen C0027672, MeSH D009386, MONDO:0015356.
Hereditary breast ovarian cancer syndrome. Also called: Hereditary breast and/or ovarian cancer syndrome; Hereditary breast and ovarian cancer syndrome (HBOC); BRCA1- and BRCA2-Associated Hereditary Breast and Ovarian Cancer; Hereditary breast and ovarian cancer; Breast and ovarian cancer; Hereditary breast and ovarian cancer syndrome. Identifiers: Orphanet 145, MedGen C0677776, MeSH D061325, MONDO:0003582. Disease mechanism: loss of function.
Breast-ovarian cancer, familial, susceptibility to, 2 (BROVCA2). Also called: BRCA2 Hereditary Breast and Ovarian Cancer. Identifiers: Orphanet 145, MedGen C2675520, MONDO:0012933, OMIM 612555. Disease mechanism: loss of function.

Allele frequency attached by ClinVar (database versions not stated): gnomAD exomes below 0.00001; TOPMed below 0.00001.
gnomAD v4.1: 1 of 1,613,880 alleles (0.000062%); highest among the groups gnomAD compares: African/African-American, 0.0013%; no homozygotes.

Submissions (3):

Myriad Genetics, Inc.
Classification: Likely benign for Breast-ovarian cancer, familial, susceptibility to, 2. Last evaluated: 2026-08-04. Review status: criteria provided, single submitter. Criteria: Myriad Autosomal Dominant, Autosomal Recessive and X-Linked Classification Criteria (2023). Collection method: clinical testing. Allele origin: unknown.
Comment: This variant is considered likely benign. This variant is strongly associated with less severe personal and family histories of cancer, typical for individuals without pathogenic variants in this gene [PMID: 25085752].

Ambry Genetics
Classification: Uncertain significance for Hereditary cancer-predisposing syndrome. Last evaluated: 2026-05-20. Review status: criteria provided, single submitter. Criteria: Ambry Variant Classification Scheme 2023. Collection method: clinical testing. Allele origin: germline.
Comment: The p.Y2567D variant (also known as c.7699T>G), located in coding exon 15 of the BRCA2 gene, results from a T to G substitution at nucleotide position 7699. The tyrosine at codon 2567 is replaced by aspartic acid, an amino acid with highly dissimilar properties. The results from two saturation genome editing-based studies, including a haploid cell-survival assay and a humanized mouse embryonic stem cell line assay of drug response and survival, are discordant for this nucleotide substitution (Huang H et al. Nature. 2025 Feb;638(8050):528-537; Sahu S et al. Nature. 2025 Feb;638(8050):538-545).This amino acid position is not well conserved in available vertebrate species. In addition, the in silico prediction for this alteration is inconclusive. Based on the available evidence, the clinical significance of this variant remains unclear.

Labcorp Genetics (formerly Invitae), Labcorp
Classification: Uncertain significance for Hereditary breast ovarian cancer syndrome. Last evaluated: 2022-10-27. Review status: criteria provided, single submitter. Criteria: Invitae Variant Classification Sherloc (09022015). Collection method: clinical testing. Allele origin: germline.
Comment: This variant is not present in population databases (gnomAD no frequency). This sequence change replaces tyrosine, which is neutral and polar, with aspartic acid, which is acidic and polar, at codon 2567 of the BRCA2 protein (p.Tyr2567Asp). In summary, the available evidence is currently insufficient to determine the role of this variant in disease. Therefore, it has been classified as a Variant of Uncertain Significance. Advanced modeling of protein sequence and biophysical properties (such as structural, functional, and spatial information, amino acid conservation, physicochemical variation, residue mobility, and thermodynamic stability) performed at Invitae indicates that this missense variant is not expected to disrupt BRCA2 protein function. ClinVar contains an entry for this variant (Variation ID: 648848). This variant has not been reported in the literature in individuals affected with BRCA2-related conditions.

Literature cited by the submitters: PubMed 25085752 (cited by Myriad Genetics, Inc.); PubMed 39779848 (cited by Ambry Genetics); PubMed 39779857 (cited by Ambry Genetics).